The following is an entry in ClinVar:

NM_001943.5(DSG2):c.81+5G>A

Gene: DSG2 (desmoglein 2; plus strand). Cytogenetic location: 18q12.1.
Variant type: single nucleotide variant.
Coding change: c.81+5G>A on transcript NM_001943.5 (MANE Select); 5 bases into the intron after coding-DNA position 81, G replaced by A.
Molecular consequence: intron variant.
Genome position (GRCh38, 1-based): chr18:31,518,279, G>A. VCF-style: chr18-31518279-G-A. GRCh37 (hg19) VCF-style: chr18-29098242-G-A.
Identifiers: ClinVar variation 3071332 (VCV003071332.1), dbSNP rs2510909568, ClinGen allele CA2825002680.

ClinVar aggregate classification (germline): Uncertain significance (1 of 4 stars; one submission).

Conditions:
Arrhythmogenic right ventricular cardiomyopathy (ARVD). Also called: Arrhythmogenic right ventricular dysplasia; Cardiomyopathy, ARVC; Arrhythmogenic cardiomyopathy; Arrhythmogenic Right Ventricular Cardiomyopathy (ARVC). Identifiers: Orphanet 247, MedGen C0349788, MeSH D019571, MONDO:0016587. Disease mechanism: loss of function. Inheritance: Various modes of inheritance.

Submission:

All of Us Research Program, National Institutes of Health
Classification: Uncertain significance for Arrhythmogenic right ventricular cardiomyopathy. Last evaluated: 2023-05-30. Review status: criteria provided, single submitter. Criteria: ACMG Guidelines, 2015. Collection method: clinical testing. Allele origin: germline. Inheritance: Autosomal dominant inheritance. Observed: 1 variant allele, 1 heterozygote.
Comment: This variant causes a G to A nucleotide substitution at the +5 position of intron 2 of the DSG2 gene. Splice site prediction tools predict that this variant may have a significant impact on RNA splicing. To our knowledge,, RNA studies have not been reported for this variant. This variant has not been reported in individuals affected with DSG2-related disorders in the literature. This variant has not been identified in the general population by the Genome Aggregation Database (gnomAD). The available evidence is insufficient to determine the role of this variant in disease conclusively. Therefore, this variant is classified as a Variant of Uncertain Significance.

This study involves interpretation of variants in research participants for the purpose of population health screening. Participant phenotype was not available at the time of variant classification. Additional details can be found in publication PMID: 35346344, PMCID: PMC8962531